The following is an entry in ClinVar:

NM_004287.5(GOSR2):c.204-1G>T

Genes: LRRC37A2 (leucine rich repeat containing 37 member A2), GOSR2 (golgi SNAP receptor complex member 2; plus strand), LOC126862578 (BRD4-independent group 4 enhancer GRCh37_chr17:45008344-45009543; plus strand). Cytogenetic location: 17q21.32.
Variant type: single nucleotide variant.
Coding change: c.204-1G>T on transcript NM_004287.5 (MANE Select); the canonical splice acceptor site of the intron before coding-DNA position 204, G replaced by T.
Molecular consequence: splice acceptor variant.
Genome position (GRCh38, 1-based): chr17:46,932,066, G>T. VCF-style: chr17-46932066-G-T. GRCh37 (hg19) VCF-style: chr17-45009432-G-T.
Other names: c.204-1G>T (NM_001321133.2, NM_054022.4, NM_001330252.2 and 1 more transcripts); c.150-1G>T (NM_001363851.2, NM_001321134.2); c.201-1G>T (NM_001353114.2, NM_001353115.2, NM_001353116.2).
Identifiers: ClinVar variation 1066226 (VCV001066226.10), dbSNP rs1187190721, ClinGen allele CA400016844.

ClinVar aggregate classification (germline): Likely pathogenic (1 of 4 stars; one submission).

Conditions:
Progressive myoclonic epilepsy. Also called: Familial progressive myoclonic epilepsy; Myoclonic Epilepsies, Progressive; Progressive myoclonus epilepsy; Myoclonus epilepsy. Identifiers: Orphanet 308, Orphanet 98261, MedGen C0751778, MONDO:0020074.

Allele frequency attached by ClinVar (database versions not stated): gnomAD exomes below 0.00001.
gnomAD v4.1: 2 of 1,613,606 alleles (0.00012%); highest among the groups gnomAD compares: Admixed American, 0.0017%; no homozygotes.

Submission:

Labcorp Genetics (formerly Invitae), Labcorp
Classification: Likely pathogenic for Progressive myoclonic epilepsy. Last evaluated: 2022-03-29. Review status: criteria provided, single submitter. Criteria: Invitae Variant Classification Sherloc (09022015). Collection method: clinical testing. Allele origin: germline.
Comment: In summary, the currently available evidence indicates that the variant is pathogenic, but additional data are needed to prove that conclusively. Therefore, this variant has been classified as Likely Pathogenic. Algorithms developed to predict the effect of sequence changes on RNA splicing suggest that this variant may disrupt the consensus splice site. ClinVar contains an entry for this variant (Variation ID: 1066226). This variant has not been reported in the literature in individuals affected with GOSR2-related conditions. This variant is present in population databases (no rsID available, gnomAD 0.003%). This sequence change affects an acceptor splice site in intron 3 of the GOSR2 gene. It is expected to disrupt RNA splicing. Variants that disrupt the donor or acceptor splice site typically lead to a loss of protein function (PMID: 16199547), and loss-of-function variants in GOSR2 are known to be pathogenic (PMID: 21549339).

Literature cited by the submitters: PubMed 16199547; PubMed 21549339.